The following is an entry in ClinVar:

ClinVar aggregate classification (germline): Uncertain significance (1 of 4 stars; one submission).

Conditions:
OTUD7A-related disorder. Also called: OTUD7A-related condition.

Submission:

PreventionGenetics, part of Exact Sciences
Classification: Uncertain significance for OTUD7A-related condition. Last evaluated: 2025-02-12. Review status: criteria provided, single submitter. Criteria: ACMG Guidelines, 2015. Collection method: clinical testing. Allele origin: germline.
Comment: The OTUD7A c.2023_2049delinsT variant is predicted to result in a frameshift and premature protein termination (p.Asp675Cysfs*194). To our knowledge, this variant has not been reported in the literature or in a large population database (gnomAD), indicating this variant is rare. At this time, the clinical significance of this variant is uncertain due to the absence of conclusive functional and genetic evidence.

NM_001382637.1(OTUD7A):c.2044_2070delinsT (p.Asp682fs)

Gene: OTUD7A (OTU deubiquitinase 7A; minus strand). Cytogenetic location: 15q13.3.
Variant type: Indel.
Coding change: c.2044_2070delinsT on transcript NM_001382637.1 (MANE Select); coding-DNA positions 2044 to 2070, GACGCCGCTACTGCGGCCGCCGCTGCC replaced by T.
Protein change: p.Asp682fs; shifts the reading frame from aspartic acid 682.
Molecular consequence: frameshift variant.
Genome position (GRCh38, 1-based): chr15:31,484,026-31,484,052, GGCAGCGGCGGCCGCAGTAGCGGCGTC replaced by A on the plus strand (GACGCCGCTACTGCGGCCGCCGCTGCC replaced by T on the coding strand, the reverse complement: OTUD7A is on the minus strand). VCF-style: chr15-31484026-GGCAGCGGCGGCCGCAGTAGCGGCGTC-A. GRCh37 (hg19) VCF-style: chr15-31776229-GGCAGCGGCGGCCGCAGTAGCGGCGTC-A.
Other names: c.2023_2049delinsT, p.Asp675fs (NM_130901.3); short protein forms D675fs, D682fs.
Identifiers: ClinVar variation 2631427 (VCV002631427.2), dbSNP rs2504428618, ClinGen allele CA2695197238.